The following is an entry in ClinVar:

NM_001386298.1(CIC):c.6473T>C (p.Leu2158Pro)

Gene: CIC (capicua transcriptional repressor; plus strand). Cytogenetic location: 19q13.2.
Variant type: single nucleotide variant.
Coding change: c.6473T>C on transcript NM_001386298.1 (MANE Select); coding-DNA position 6473, T replaced by C.
Protein change: p.Leu2158Pro; replaces leucine 2158 with proline.
Molecular consequence: missense variant.
Genome position (GRCh38, 1-based): chr19:42,293,232, T>C. VCF-style: chr19-42293232-T-C. GRCh37 (hg19) VCF-style: chr19-42797384-T-C.
Other names: c.3746T>C, p.Leu1249Pro (NM_001379485.1, NM_001439190.1, NM_015125.5 and 1 more transcripts); c.6473T>C, p.Leu2158Pro (NM_001439183.1, NM_001439186.1, NM_001439187.1 and 2 more transcripts); c.6470T>C, p.Leu2157Pro (NM_001439184.1, NM_001439185.1, NM_001439188.1 and 1 more transcripts); c.3743T>C, p.Leu1248Pro (NM_001439189.1, NM_001439191.1); short protein forms L1248P, L1249P, L2157P, L2158P.
Identifiers: ClinVar variation 4821583 (VCV004821583.4).
Genomic context (GRCh38, chr19:42,293,232, plus strand): 5'-CACCAGCCCCTCCACCCCTGCCAGAGACCTGGACTCCCACGGCCCGGAGCAGCCCCCCAC[T>C]GCCCCCACCTGCTGAGGAGCGGACCAGCGCCAAGGGCCCTGAGACCATGGTGAGCGCCTG-3'
Protein context (NP_001373227.1, residues 2148-2168): WTPTARSSPP[Leu2158Pro]PPPAEERTSA

ClinVar aggregate classification (germline): Uncertain significance (1 of 4 stars; one submission).

Submission:

CeGaT Center for Human Genetics Tuebingen
Classification: Uncertain significance. Last evaluated: 2026-02-01. Review status: criteria provided, single submitter. Criteria: CeGaT Center For Human Genetics Tuebingen Variant Classification Criteria Version 2. Collection method: clinical testing. Allele origin: germline. Affected: yes. Observed: 1 variant allele.
Comment: CIC: PM2, BP4